The following is an entry in ClinVar:

NM_001085411.3(NADK2):c.782-5T>C

Gene: NADK2 (NAD kinase 2, mitochondrial; minus strand). Cytogenetic location: 5p13.2.
Variant type: single nucleotide variant.
Coding change: c.782-5T>C on transcript NM_001085411.3 (MANE Select); 5 bases into the intron before coding-DNA position 782, T replaced by C.
Molecular consequence: intron variant.
Genome position (GRCh38, 1-based): chr5:36,211,927, A>G on the plus strand (T>C on the coding strand, the complement: NADK2 is on the minus strand). VCF-style: chr5-36211927-A-G. GRCh37 (hg19) VCF-style: chr5-36212029-A-G.
Other names: c.293-5T>C (NM_153013.5, NM_001287341.2, NM_001287340.2).
Identifiers: ClinVar variation 2243582 (VCV002243582.2), dbSNP rs201038371, ClinGen allele CA117016492.

ClinVar aggregate classification (germline): Uncertain significance (1 of 4 stars; one submission).

Conditions:
Inborn genetic diseases. Identifiers: MedGen C0950123, MeSH D030342.

Allele frequency attached by ClinVar (database versions not stated): gnomAD exomes below 0.00001; gnomAD 0.00001; 1000 Genomes Project 30x 0.00016; 1000 Genomes Project 0.00020.
gnomAD v4.1: 4 of 1,606,982 alleles (0.00025%); highest among the groups gnomAD compares: South Asian, 0.0034%; no homozygotes.

Submission:

Ambry Genetics
Classification: Uncertain significance for Inborn genetic diseases. Last evaluated: 2021-09-21. Review status: criteria provided, single submitter. Criteria: Ambry Variant Classification Scheme 2023. Collection method: clinical testing. Allele origin: germline.
Comment: The c.782-5T>C intronic alteration consists of a T to C substitution 5 nucleotides before coding exon 7 in the NADK2 gene. Based on insufficient or conflicting evidence, the clinical significance of this alteration remains unclear.